The following is an entry in ClinVar:

NM_004714.3(DYRK1B):c.393del (p.Gln132fs)

Gene: DYRK1B (dual specificity tyrosine phosphorylation regulated kinase 1B; minus strand). Cytogenetic location: 19q13.2.
Variant type: Deletion.
Coding change: c.393del on transcript NM_004714.3 (MANE Select); coding-DNA position 393, one base deleted (T; older notation c.393delT).
Protein change: p.Gln132fs; shifts the reading frame from glutamine 132.
Molecular consequence: frameshift variant.
Genome position (GRCh38, 1-based): chr19:39,830,007, A deleted on the plus strand (T on the coding strand, the reverse complement: DYRK1B is on the minus strand). VCF-style (leftmost placement, unchanged base first): chr19-39830006-GA-G. GRCh37 (hg19) VCF-style: chr19-40320646-GA-G.
Other names: c.393del, p.Gln132fs (NM_006483.3, NM_006484.3); short protein forms Q132fs.
Identifiers: ClinVar variation 4994427 (VCV004994427.1).

ClinVar aggregate classification (germline): Uncertain significance (1 of 4 stars; one submission).

Conditions:
DYRK1B-related disorder. Also called: DYRK1B-related condition.

Submission:

PreventionGenetics, part of Exact Sciences
Classification: Uncertain significance for DYRK1B-related condition. Last evaluated: 2026-05-26. Review status: criteria provided, single submitter. Criteria: ACMG Guidelines, 2015. Collection method: clinical testing. Allele origin: germline.
Comment: The DYRK1B c.393delT variant is predicted to result in a frameshift and premature protein termination (p.Gln132Argfs*18). To our knowledge, this variant has not been reported in the literature or in a large population database (gnomAD), indicating this variant is rare. Loss-of-function has not been established as a mechanism of DYRK1B-related disease. At this time, the clinical significance of this variant is uncertain due to the absence of conclusive functional and genetic evidence.